The following is an entry in ClinVar:

NM_000512.5(GALNS):c.492C>G (p.Asn164Lys)

Gene: GALNS (galactosamine (N-acetyl)-6-sulfatase; minus strand). Cytogenetic location: 16q24.3.
Variant type: single nucleotide variant.
Coding change: c.492C>G on transcript NM_000512.5 (MANE Select); coding-DNA position 492, C replaced by G.
Protein change: p.Asn164Lys; replaces asparagine 164 with lysine.
Molecular consequence: missense variant. On other transcripts: 5 prime UTR variant (1).
Genome position (GRCh38, 1-based): chr16:88,837,696, G>C on the plus strand (C>G on the coding strand, the complement: GALNS is on the minus strand). VCF-style: chr16-88837696-G-C. GRCh37 (hg19) VCF-style: chr16-88904104-G-C.
Other names: c.-64C>G (NM_001323543.2); c.510C>G, p.Asn170Lys (NM_001323544.2); short protein forms N164K, N170K.
Identifiers: ClinVar variation 4886999 (VCV004886999.1).

ClinVar aggregate classification (germline): Likely pathogenic (1 of 4 stars; one submission).

Conditions:
Mucopolysaccharidosis, MPS-IV-A (MPS4A). Also called: MORQUIO SYNDROME A; GALACTOSAMINE-6-SULFATASE DEFICIENCY; GALNS DEFICIENCY; MORQUIO A DISEASE; MPS IVA; Mucopolysaccharidosis type IV A. Identifiers: Orphanet 309297, Orphanet 582, MedGen C0086651, MONDO:0009659, OMIM 253000.

Submission:

Department of Genetics and Endocrinology, Guangzhou Women and Children’s Medical Center
Classification: Likely pathogenic for Mucopolysaccharidosis, MPS-IV-A. Last evaluated: 2026-08-20. Review status: criteria provided, single submitter. Criteria: ACMG Guidelines, 2015. Collection method: clinical testing. Allele origin: germline. Affected: yes.
Comment: PM1: located in domain 1 (catalytic domain); PM2: absent from population databases (gnomAD); PM3: homozygous in affected patient; PP3: multiple in silico tools predict damaging effect; PP4: patient phenotype is highly specific for MPS IVA.